The following is an entry in ClinVar:

NM_014585.6(SLC40A1):c.629G>C (p.Gly210Ala)

Gene: SLC40A1 (solute carrier family 40 member 1; minus strand). Cytogenetic location: 2q32.2.
Variant type: single nucleotide variant.
Coding change: c.629G>C on transcript NM_014585.6 (MANE Select); coding-DNA position 629, G replaced by C.
Protein change: p.Gly210Ala; replaces glycine 210 with alanine.
Molecular consequence: missense variant.
Genome position (GRCh38, 1-based): chr2:189,565,485, C>G on the plus strand (G>C on the coding strand, the complement: SLC40A1 is on the minus strand). VCF-style: chr2-189565485-C-G. GRCh37 (hg19) VCF-style: chr2-190430211-C-G.
Other names: short protein forms G210A.
Identifiers: ClinVar variation 1413675 (VCV001413675.6), dbSNP rs1047036686, ClinGen allele CA62903058.

ClinVar aggregate classification (germline): Uncertain significance (1 of 4 stars; one submission).

Conditions:
Hemochromatosis type 4 (HFE4). Also called: Ferroportin disease; HEMOCHROMATOSIS DUE TO DEFECT IN FERROPORTIN; HEMOCHROMATOSIS, AUTOSOMAL DOMINANT. Identifiers: Orphanet 139491, Orphanet 647834, Orphanet 648562, MedGen C1853733, MONDO:0011631, OMIM 606069.

Allele frequency attached by ClinVar (database versions not stated): gnomAD 0.00001; gnomAD exomes 0.00001; TOPMed 0.00001.
gnomAD v4.1: 16 of 1,614,152 alleles (0.00099%); highest among the groups gnomAD compares: African/African-American, 0.0013%; no homozygotes.

Submission:

Labcorp Genetics (formerly Invitae), Labcorp
Classification: Uncertain significance for Hemochromatosis type 4. Last evaluated: 2022-02-08. Review status: criteria provided, single submitter. Criteria: Invitae Variant Classification Sherloc (09022015). Collection method: clinical testing. Allele origin: germline.
Comment: In summary, the available evidence is currently insufficient to determine the role of this variant in disease. Therefore, it has been classified as a Variant of Uncertain Significance. Algorithms developed to predict the effect of missense changes on protein structure and function output the following: SIFT: "Tolerated"; PolyPhen-2: "Benign"; Align-GVGD: "Class C0". The alanine amino acid residue is found in multiple mammalian species, which suggests that this missense change does not adversely affect protein function. This variant has not been reported in the literature in individuals affected with SLC40A1-related conditions. This variant is not present in population databases (gnomAD no frequency). This sequence change replaces glycine, which is neutral and non-polar, with alanine, which is neutral and non-polar, at codon 210 of the SLC40A1 protein (p.Gly210Ala).